The following is an entry in ClinVar:

NM_001829.4(CLCN3):c.1545A>G (p.Val515=)

Gene: CLCN3 (Cl-/H+ antiporter 3; plus strand). Cytogenetic location: 4q33.
Variant type: single nucleotide variant.
Coding change: c.1545A>G on transcript NM_001829.4 (MANE Select); coding-DNA position 1545, A replaced by G.
Protein change: p.Val515=; no amino-acid change (valine 515 retained).
Molecular consequence: synonymous variant.
Genome position (GRCh38, 1-based): chr4:169,697,716, A>G. VCF-style: chr4-169697716-A-G. GRCh37 (hg19) VCF-style: chr4-170618867-A-G.
Other names: c.1464A>G, p.Val488= (NM_001243372.2, NM_001243374.2); c.1545A>G, p.Val515= (NM_173872.4).
Identifiers: ClinVar variation 5039605 (VCV005039605.1).

ClinVar aggregate classification (germline): Likely benign (1 of 4 stars; one submission).

gnomAD v4.1: 2 of 1,608,238 alleles (0.00012%); highest among the groups gnomAD compares: Non-Finnish European, 0.00017%; no homozygotes.

Submission:

CeGaT Center for Human Genetics Tuebingen
Classification: Likely benign. Last evaluated: 2026-08-01. Review status: criteria provided, single submitter. Criteria: CeGaT Center For Human Genetics Tuebingen Variant Classification Criteria Version 2. Collection method: clinical testing. Allele origin: germline. Affected: yes. Observed: 1 variant allele.
Comment: CLCN3: BP4, BP7